The following is an entry in ClinVar:

NM_019842.4(KCNQ5):c.1689A>G (p.Arg563=)

Gene: KCNQ5 (potassium voltage-gated channel subfamily Q member 5; plus strand). Cytogenetic location: 6q13.
Variant type: single nucleotide variant.
Coding change: c.1689A>G on transcript NM_019842.4 (MANE Select); coding-DNA position 1689, A replaced by G.
Protein change: p.Arg563=; no amino-acid change (arginine 563 retained).
Molecular consequence: synonymous variant.
Genome position (GRCh38, 1-based): chr6:73,190,684, A>G. VCF-style: chr6-73190684-A-G. GRCh37 (hg19) VCF-style: chr6-73900407-A-G.
Other names: c.1746A>G (NM_001160133.1); c.1662A>G, p.Arg554= (NM_001160130.2); c.1719A>G, p.Arg573= (NM_001160132.2); c.1746A>G, p.Arg582= (NM_001160133.2); c.1359A>G, p.Arg453= (NM_001160134.2).
Identifiers: ClinVar variation 1165781 (VCV001165781.36), dbSNP rs116950019, ClinGen allele CA3887117.

ClinVar aggregate classification (germline): Benign/Likely benign. Review status: criteria provided, multiple submitters, no conflicts (2 of 4 stars). 6 submissions from 6 submitters: Benign (1); Likely benign (3). 2 of the submissions do not count toward it. Last evaluated 2026-01-19.

Conditions:
KCNQ5-related disorder. Also called: KCNQ5-related condition.

Allele frequency attached by ClinVar (database versions not stated): ESP Exome Variant Server 0.00038; gnomAD exomes 0.00041 and 0.00045; TOPMed 0.00042; gnomAD 0.00047; ExAC 0.00053; 1000 Genomes Project 0.00060; 1000 Genomes Project 30x 0.00062.
gnomAD v4.1: 700 of 1,584,632 alleles (0.044%); highest among the groups gnomAD compares: Non-Finnish European, 0.057%; 1 homozygote.

Submissions (6):

Labcorp Genetics (formerly Invitae), Labcorp
Classification: Benign. Last evaluated: 2026-01-19. Review status: criteria provided, single submitter. Criteria: Invitae Variant Classification Sherloc (09022015). Collection method: clinical testing. Allele origin: germline.

CeGaT Center for Human Genetics Tuebingen
Classification: Likely benign. Last evaluated: 2025-12-01. Review status: criteria provided, single submitter. Criteria: CeGaT Center For Human Genetics Tuebingen Variant Classification Criteria Version 2. Collection method: clinical testing. Allele origin: germline. Affected: yes. Observed: 8 variant alleles.
Comment: KCNQ5: BP4, BP7

PreventionGenetics, part of Exact Sciences
Classification: Likely benign for KCNQ5-related condition. Last evaluated: 2024-12-17. Review status: criteria provided, single submitter. Criteria: ACMG Guidelines, 2015. Collection method: clinical testing. Allele origin: germline.
Comment: This variant is classified as likely benign based on ACMG/AMP sequence variant interpretation guidelines (Richards et al. 2015 PMID: 25741868, with internal and published modifications).

Blueprint Genetics
Classification: Likely benign. Last evaluated: 2024-11-14. Review status: criteria provided, single submitter. Criteria: ACMG Guidelines, 2015. Collection method: clinical testing. Allele origin: germline.

Clinical Genetics DNA and cytogenetics Diagnostics Lab, Erasmus MC, Erasmus Medical Center
Classification: Likely benign. Review status: no assertion criteria provided. Collection method: clinical testing. Allele origin: germline. Affected: yes. Study: VKGL Data-share Consensus. Not counted in ClinVar's aggregate classification.

Genome Diagnostics Laboratory, University Medical Center Utrecht
Classification: Likely benign. Review status: no assertion criteria provided. Collection method: clinical testing. Allele origin: germline. Affected: yes. Study: VKGL Data-share Consensus. Not counted in ClinVar's aggregate classification.